The following is an entry in ClinVar:

NM_012479.4(YWHAG):c.317A>G (p.Asn106Ser)

Gene: YWHAG (tyrosine 3-monooxygenase/tryptophan 5-monooxygenase activation protein gamma; minus strand). Cytogenetic location: 7q11.23.
Variant type: single nucleotide variant.
Coding change: c.317A>G on transcript NM_012479.4 (MANE Select); coding-DNA position 317, A replaced by G.
Protein change: p.Asn106Ser; replaces asparagine 106 with serine.
Molecular consequence: missense variant.
Genome position (GRCh38, 1-based): chr7:76,330,004, T>C on the plus strand (A>G on the coding strand, the complement: YWHAG is on the minus strand). VCF-style: chr7-76330004-T-C. GRCh37 (hg19) VCF-style: chr7-75959321-T-C.
Other names: short protein forms N106S.
Identifiers: ClinVar variation 3631099 (VCV003631099.2).

ClinVar aggregate classification (germline): Uncertain significance (1 of 4 stars; one submission).

gnomAD v4.1: 7 of 1,614,184 alleles (0.00043%); highest among the groups gnomAD compares: African/African-American, 0.0013%; no homozygotes.

Submission:

Labcorp Genetics (formerly Invitae), Labcorp
Classification: Uncertain significance. Last evaluated: 2025-01-19. Review status: criteria provided, single submitter. Criteria: Invitae Variant Classification Sherloc (09022015). Collection method: clinical testing. Allele origin: germline.
Comment: This sequence change replaces asparagine, which is neutral and polar, with serine, which is neutral and polar, at codon 106 of the YWHAG protein (p.Asn106Ser). This variant is present in population databases (rs773103074, gnomAD 0.0009%). This variant has not been reported in the literature in individuals affected with YWHAG-related conditions. Invitae Evidence Modeling of protein sequence and biophysical properties (such as structural, functional, and spatial information, amino acid conservation, physicochemical variation, residue mobility, and thermodynamic stability) indicates that this missense variant is not expected to disrupt YWHAG protein function with a negative predictive value of 80%. In summary, the available evidence is currently insufficient to determine the role of this variant in disease. Therefore, it has been classified as a Variant of Uncertain Significance.